The following is an entry in ClinVar:

NM_001252024.2(TRPM1):c.4553C>T (p.Ala1518Val)

Gene: TRPM1 (transient receptor potential cation channel subfamily M member 1; minus strand). Cytogenetic location: 15q13.3.
Variant type: single nucleotide variant.
Coding change: c.4553C>T on transcript NM_001252024.2 (MANE Select); coding-DNA position 4553, C replaced by T.
Protein change: p.Ala1518Val; replaces alanine 1518 with valine.
Molecular consequence: missense variant.
Genome position (GRCh38, 1-based): chr15:31,002,147, G>A on the plus strand (C>T on the coding strand, the complement: TRPM1 is on the minus strand). VCF-style: chr15-31002147-G-A. GRCh37 (hg19) VCF-style: chr15-31294350-G-A.
Other names: c.4604C>T, p.Ala1535Val (NM_001252020.2); c.4487C>T, p.Ala1496Val (NM_002420.6); short protein forms A1496V, A1518V, A1535V.
Identifiers: ClinVar variation 1415891 (VCV001415891.6), dbSNP rs2141098830, ClinGen allele CA391522789.
Genomic context (GRCh38, chr15:31,002,147, plus strand): 5'-GGAATTGCTTCAGCGACATGGTGTTCATCTTGCATATCTGCAAACTGCTCTTTATGCTCA[G>A]CTTGCACTGCAGCTTCCGACACAATGTAAGGAATATCTGTGCTATGAGAGCGCGTGATCT-3'
Protein context (NP_001238953.1, residues 1508-1528): PYIVSEAAVQ[Ala1518Val]EHKEQFADMQ

ClinVar aggregate classification (germline): Uncertain significance (1 of 4 stars; one submission).

Submission:

Labcorp Genetics (formerly Invitae), Labcorp
Classification: Uncertain significance. Last evaluated: 2021-11-19. Review status: criteria provided, single submitter. Criteria: Invitae Variant Classification Sherloc (09022015). Collection method: clinical testing. Allele origin: germline.
Comment: In summary, the available evidence is currently insufficient to determine the role of this variant in disease. Therefore, it has been classified as a Variant of Uncertain Significance. Algorithms developed to predict the effect of missense changes on protein structure and function are either unavailable or do not agree on the potential impact of this missense change (SIFT: "Deleterious"; PolyPhen-2: "Probably Damaging"; Align-GVGD: "Class C0"). This variant has not been reported in the literature in individuals affected with TRPM1-related conditions. This variant is not present in population databases (gnomAD no frequency). This sequence change replaces alanine, which is neutral and non-polar, with valine, which is neutral and non-polar, at codon 1496 of the TRPM1 protein (p.Ala1496Val).